The following is an entry in ClinVar:

ClinVar aggregate classification (germline): Pathogenic (1 of 4 stars; one submission).

Conditions:
Werner syndrome (WRN). Identifiers: Orphanet 902, MedGen C0043119, MONDO:0010196, OMIM 277700.

Submission:

Labcorp Genetics (formerly Invitae), Labcorp
Classification: Pathogenic for Werner syndrome. Last evaluated: 2022-10-13. Review status: criteria provided, single submitter. Criteria: Invitae Variant Classification Sherloc (09022015). Collection method: clinical testing. Allele origin: germline.
Comment: For these reasons, this variant has been classified as Pathogenic. This variant has not been reported in the literature in individuals affected with WRN-related conditions. This variant is not present in population databases (gnomAD no frequency). This sequence change creates a premature translational stop signal (p.Glu1135Lysfs*27) in the WRN gene. It is expected to result in an absent or disrupted protein product. Loss-of-function variants in WRN are known to be pathogenic (PMID: 16673358).

Literature cited by the submitters: PubMed 16673358.

NM_000553.6(WRN):c.3403del (p.Glu1135fs)

Gene: WRN (WRN RecQ like helicase; plus strand). Cytogenetic location: 8p12.
Variant type: Deletion.
Coding change: c.3403del on transcript NM_000553.6 (MANE Select); coding-DNA position 3403, one base deleted (G; older notation c.3403delG).
Protein change: p.Glu1135fs; shifts the reading frame from glutamic acid 1135.
Molecular consequence: frameshift variant.
Genome position (GRCh38, 1-based): chr8:31,147,072, G deleted. VCF-style (leftmost placement, unchanged base first): chr8-31147071-AG-A. GRCh37 (hg19) VCF-style: chr8-31004587-AG-A.
Other names: short protein forms E1135fs.
Identifiers: ClinVar variation 2035300 (VCV002035300.4), dbSNP rs2536041791, ClinGen allele CA2580078179.
Genomic context (GRCh38, chr8:31,147,071, plus strand): 5'-AAAGAAAAGCTTTTATTATTTATTTTCTTTTAAATATTTTAGTATCATGGTACAGTCACC[AG>A]AAAAAGCTTACAGTTCCTCACAGCCTGTTATTTCGGCACAAGAGCAGGAGACTCAGGTAA-3'